The following is an entry in ClinVar:

ClinVar aggregate classification (germline): Pathogenic (1 of 4 stars; one submission).

Conditions:
Primary ciliary dyskinesia. Also called: Ciliary dyskinesia. Identifiers: Orphanet 244, MedGen C0008780, MONDO:0016575, HP:0012265.

Submission:

Labcorp Genetics (formerly Invitae), Labcorp
Classification: Pathogenic for Primary ciliary dyskinesia. Last evaluated: 2023-10-22. Review status: criteria provided, single submitter. Criteria: Invitae Variant Classification Sherloc (09022015). Collection method: clinical testing. Allele origin: germline.
Comment: This sequence change creates a premature translational stop signal (p.Ser2989*) in the DNAH5 gene. It is expected to result in an absent or disrupted protein product. Loss-of-function variants in DNAH5 are known to be pathogenic (PMID: 11788826, 16627867). This variant is not present in population databases (gnomAD no frequency). This variant has not been reported in the literature in individuals affected with DNAH5-related conditions. ClinVar contains an entry for this variant (Variation ID: 953205). For these reasons, this variant has been classified as Pathogenic.

Literature cited by the submitters: PubMed 11788826; PubMed 16627867.

NM_001369.3(DNAH5):c.8966C>G (p.Ser2989Ter)

Gene: DNAH5 (dynein axonemal heavy chain 5; minus strand). Cytogenetic location: 5p15.2.
Variant type: single nucleotide variant.
Coding change: c.8966C>G on transcript NM_001369.3 (MANE Select); coding-DNA position 8966, C replaced by G.
Protein change: p.Ser2989Ter; replaces serine 2989 with a stop codon.
Molecular consequence: nonsense.
Genome position (GRCh38, 1-based): chr5:13,777,341, G>C on the plus strand (C>G on the coding strand, the complement: DNAH5 is on the minus strand). VCF-style: chr5-13777341-G-C. GRCh37 (hg19) VCF-style: chr5-13777450-G-C.
Other names: short protein forms S2989*.
Identifiers: ClinVar variation 953205 (VCV000953205.8), dbSNP rs1754250771, ClinGen allele CA359211453.